The following is an entry in ClinVar:

ClinVar aggregate classification (germline): Uncertain significance. Review status: criteria provided, multiple submitters, no conflicts (2 of 4 stars). 6 submissions from 6 submitters: Uncertain significance (5). 1 of the submissions does not count toward it. Last evaluated 2025-08-20.

Conditions:
ATM-related disorder. Also called: ATM-related disorders; ATM-related condition.
Hereditary cancer-predisposing syndrome. Also called: Hereditary Cancer Syndrome; Tumor predisposition; Neoplastic Syndromes, Hereditary; Hereditary neoplastic syndrome. Identifiers: Orphanet 140162, MedGen C0027672, MeSH D009386, MONDO:0015356.
Ataxia-telangiectasia syndrome (AT). Also called: ATAXIA-TELANGIECTASIA, COMPLEMENTATION GROUP A; ATAXIA-TELANGIECTASIA, FRESNO VARIANT; Ataxia-telangiectasia; Ataxia-telangiectasia, complementation group E; Cerebello-oculocutaneous telangiectasia; Immunodeficiency with ataxia telangiectasia. Identifiers: Orphanet 100, MedGen C0004135, MONDO:0008840, OMIM 208900.

Allele frequency attached by ClinVar (database versions not stated): gnomAD exomes 0.00001.
gnomAD v4.1: 9 of 1,613,684 alleles (0.00056%); highest among the groups gnomAD compares: Non-Finnish European, 0.00068%; no homozygotes.

Submissions (6):

Ambry Genetics
Classification: Uncertain significance for Hereditary cancer-predisposing syndrome. Last evaluated: 2025-08-20. Review status: criteria provided, single submitter. Criteria: Ambry Variant Classification Scheme 2023. Collection method: clinical testing. Allele origin: germline.
Comment: The p.N2241S variant (also known as c.6722A>G), located in coding exon 45 of the ATM gene, results from an A to G substitution at nucleotide position 6722. The asparagine at codon 2241 is replaced by serine, an amino acid with highly similar properties. This amino acid position is not well conserved in available vertebrate species, and serine is the reference amino acid in other vertebrate species. In addition, this alteration is predicted to be tolerated by in silico analysis. Since supporting evidence is limited at this time, the clinical significance of this alteration remains unclear.

Labcorp Genetics (formerly Invitae), Labcorp
Classification: Uncertain significance for Ataxia-telangiectasia syndrome. Last evaluated: 2025-02-27. Review status: criteria provided, single submitter. Criteria: Invitae Variant Classification Sherloc (09022015). Collection method: clinical testing. Allele origin: germline.
Comment: This sequence change replaces asparagine, which is neutral and polar, with serine, which is neutral and polar, at codon 2241 of the ATM protein (p.Asn2241Ser). This variant is not present in population databases (gnomAD no frequency). This variant has not been reported in the literature in individuals affected with ATM-related conditions. ClinVar contains an entry for this variant (Variation ID: 185950). Invitae Evidence Modeling of protein sequence and biophysical properties (such as structural, functional, and spatial information, amino acid conservation, physicochemical variation, residue mobility, and thermodynamic stability) indicates that this missense variant is not expected to disrupt ATM protein function with a negative predictive value of 95%. In summary, the available evidence is currently insufficient to determine the role of this variant in disease. Therefore, it has been classified as a Variant of Uncertain Significance.

Blueprint Genetics
Classification: Uncertain significance. Last evaluated: 2024-02-16. Review status: criteria provided, single submitter. Criteria: ACMG Guidelines, 2015. Collection method: clinical testing. Allele origin: germline.

Color Diagnostics, LLC DBA Color Health
Classification: Uncertain significance for Hereditary cancer-predisposing syndrome. Last evaluated: 2023-10-31. Review status: criteria provided, single submitter. Criteria: ACMG Guidelines, 2015. Collection method: clinical testing. Allele origin: germline.
Comment: This missense variant replaces asparagine with serine at codon 2241 of the ATM protein. Computational prediction suggests that this variant may not impact protein structure and function (internally defined REVEL score threshold <= 0.5, PMID: 27666373). To our knowledge, functional studies have not been reported for this variant. This variant has not been reported in individuals affected with ATM-related disorders in the literature. This variant has not been identified in the general population by the Genome Aggregation Database (gnomAD). The available evidence is insufficient to determine the role of this variant in disease conclusively. Therefore, this variant is classified as a Variant of Uncertain Significance.

Women's Health and Genetics/Laboratory Corporation of America, LabCorp
Classification: Uncertain significance. Last evaluated: 2021-10-10. Review status: criteria provided, single submitter. Criteria: LabCorp Variant Classification Summary - May 2015. Collection method: clinical testing. Allele origin: germline.

PreventionGenetics, part of Exact Sciences
Classification: Uncertain significance for ATM-related condition. Last evaluated: 2023-12-21. Review status: no assertion criteria provided. Collection method: clinical testing. Allele origin: germline. Not counted in ClinVar's aggregate classification.
Comment: The ATM c.6722A>G variant is predicted to result in the amino acid substitution p.Asn2241Ser. To our knowledge, this variant has not been reported in the literature or in a large population database, indicating this variant is rare, and is interpreted as a variant of uncertain significance in ClinVar. At this time, the clinical significance of this variant is uncertain due to the absence of conclusive functional and genetic evidence.

NM_000051.4(ATM):c.6722A>G (p.Asn2241Ser)

Genes: ATM (ATM serine/threonine kinase; plus strand), C11orf65 (chromosome 11 open reading frame 65; minus strand). Cytogenetic location: 11q22.3.
Variant type: single nucleotide variant.
Coding change: c.6722A>G on transcript NM_000051.4 (MANE Select); coding-DNA position 6722, A replaced by G.
Protein change: p.Asn2241Ser; replaces asparagine 2241 with serine.
Molecular consequence: missense variant. On other transcripts: intron variant (2).
Genome position (GRCh38, 1-based): chr11:108,325,459, A>G. VCF-style: chr11-108325459-A-G. GRCh37 (hg19) VCF-style: chr11-108196186-A-G.
Other names: c.6722A>G, p.Asn2241Ser (NM_001351834.2); c.641-16388T>C (NM_001330368.2); c.*38+9761T>C (NM_001351110.2); short protein forms N2241S.
Identifiers: ClinVar variation 185950 (VCV000185950.22), dbSNP rs786202583, ClinGen allele CA193470.
Genomic context (GRCh38, chr11:108,325,459, plus strand): 5'-AGCCTATCATGGCTCTACGCACAGTCATTTTGGAGATCCTGATGGAAAAGGAAATGGACA[A>G]CTCACAAAGAGAATGTATTAAGGACATTCTCACCAAACACCTTGTAGAACTCTCTATACT-3'
Protein context (NP_000042.3, residues 2231-2251): LEILMEKEMD[Asn2241Ser]SQRECIKDIL